The following is an entry in ClinVar:

ClinVar aggregate classification (germline): Uncertain significance (1 of 4 stars; one submission).

Conditions:
Cardiovascular phenotype. Identifiers: MedGen CN230736.

Submission:

Ambry Genetics
Classification: Uncertain significance for Cardiovascular phenotype. Last evaluated: 2023-08-25. Review status: criteria provided, single submitter. Criteria: Ambry Variant Classification Scheme 2023. Collection method: clinical testing. Allele origin: germline.
Comment: The c.1006-1G>A intronic variant results from a G to A substitution one nucleotide upstream from coding exon 9 of the PRKAG2 gene. This nucleotide position is highly conserved in available vertebrate species. In silico splice site analysis predicts that this alteration will weaken the native splice acceptor site. Alterations that disrupt the canonical splice site are expected to cause aberrant splicing, resulting in an abnormal protein or a transcript that is subject to nonsense-mediated mRNA decay. However, loss of function of PRKAG2 has not been established as a mechanism of disease. Since supporting evidence is limited at this time, the clinical significance of this alteration remains unclear.

NM_016203.4(PRKAG2):c.1006-1G>A

Gene: PRKAG2 (protein kinase AMP-activated non-catalytic subunit gamma 2; minus strand). Cytogenetic location: 7q36.1.
Variant type: single nucleotide variant.
Coding change: c.1006-1G>A on transcript NM_016203.4 (MANE Select); the canonical splice acceptor site of the intron before coding-DNA position 1006, G replaced by A.
Molecular consequence: splice acceptor variant.
Genome position (GRCh38, 1-based): chr7:151,572,710, C>T on the plus strand (G>A on the coding strand, the complement: PRKAG2 is on the minus strand). VCF-style: chr7-151572710-C-T. GRCh37 (hg19) VCF-style: chr7-151269796-C-T.
Other names: c.715-1G>A (NM_001407031.1); c.718-1G>A (NM_001407030.1); c.1003-1G>A (NM_001407023.1, NM_001407022.1); c.1006-1G>A (NM_001407021.1); c.688-1G>A (NM_001407032.1); c.871-1G>A (NM_001407026.1, NM_001407027.1); c.874-1G>A (NM_001040633.2, NM_001407024.1); c.682-1G>A (NM_001407033.1); and 6 more.
Identifiers: ClinVar variation 2587191 (VCV002587191.2), dbSNP rs2536369029, ClinGen allele CA370072206.